The following is an entry in ClinVar:

NM_001288705.3(CSF1R):c.2833G>A (p.Glu945Lys)

Gene: CSF1R (colony stimulating factor 1 receptor; minus strand). Cytogenetic location: 5q32.
Variant type: single nucleotide variant.
Coding change: c.2833G>A on transcript NM_001288705.3 (MANE Select); coding-DNA position 2833, G replaced by A.
Protein change: p.Glu945Lys; replaces glutamic acid 945 with lysine.
Molecular consequence: missense variant. On other transcripts: non-coding transcript variant (2).
Genome position (GRCh38, 1-based): chr5:150,054,155, C>T on the plus strand (G>A on the coding strand, the complement: CSF1R is on the minus strand). VCF-style: chr5-150054155-C-T. GRCh37 (hg19) VCF-style: chr5-149433718-C-T.
Other names: c.2833G>A, p.Glu945Lys (NM_001349736.2, NM_001375320.1, NM_005211.4); c.2389G>A, p.Glu797Lys (NM_001375321.1); short protein forms E945K, E797K.
Identifiers: ClinVar variation 2854700 (VCV002854700.3), dbSNP rs2480935042, ClinGen allele CA361756200.
Genomic context (GRCh38, chr5:150,054,155, plus strand): 5'-GCAGCAAGGGCTGGGCGATATCCCCTTGCTCGCAGCAGGTCAGGTGCTCACTAGAGCTCT[C>T]CTCCTCCAGCTCACTGCTGCTGCTGCCGCTGCCACCGCTTCTGCTGCTGCTCGGCAGATT-3'
Protein context (NP_001275634.1, residues 935-955): SGSSSSELEE[Glu945Lys]SSSEHLTCCE

ClinVar aggregate classification (germline): Uncertain significance (1 of 4 stars; one submission).

Submission:

Labcorp Genetics (formerly Invitae), Labcorp
Classification: Uncertain significance. Last evaluated: 2023-04-10. Review status: criteria provided, single submitter. Criteria: Invitae Variant Classification Sherloc (09022015). Collection method: clinical testing. Allele origin: germline.
Comment: In summary, the available evidence is currently insufficient to determine the role of this variant in disease. Therefore, it has been classified as a Variant of Uncertain Significance. Advanced modeling of protein sequence and biophysical properties (such as structural, functional, and spatial information, amino acid conservation, physicochemical variation, residue mobility, and thermodynamic stability) performed at Invitae indicates that this missense variant is not expected to disrupt CSF1R protein function. This variant has not been reported in the literature in individuals affected with CSF1R-related conditions. This variant is not present in population databases (gnomAD no frequency). This sequence change replaces glutamic acid, which is acidic and polar, with lysine, which is basic and polar, at codon 945 of the CSF1R protein (p.Glu945Lys).